The following is an entry in ClinVar:

NM_000051.4(ATM):c.8159A>T (p.Asp2720Val)

Genes: ATM (ATM serine/threonine kinase; plus strand), C11orf65 (chromosome 11 open reading frame 65; minus strand). Cytogenetic location: 11q22.3.
Variant type: single nucleotide variant.
Coding change: c.8159A>T on transcript NM_000051.4 (MANE Select); coding-DNA position 8159, A replaced by T.
Protein change: p.Asp2720Val; replaces aspartic acid 2720 with valine.
Molecular consequence: missense variant. On other transcripts: intron variant (2).
Genome position (GRCh38, 1-based): chr11:108,335,852, A>T. VCF-style: chr11-108335852-A-T. GRCh37 (hg19) VCF-style: chr11-108206579-A-T.
Other names: c.8159A>T, p.Asp2720Val (NM_001351834.2); c.641-26781T>A (NM_001330368.2); c.695-560T>A (NM_001351110.2); short protein forms D2720V.
Identifiers: ClinVar variation 2587765 (VCV002587765.2), dbSNP rs745901025, ClinGen allele CA382562470.

ClinVar aggregate classification (germline): Uncertain significance (1 of 4 stars; one submission).

Conditions:
Hereditary cancer-predisposing syndrome. Also called: Hereditary Cancer Syndrome; Hereditary neoplastic syndrome; Neoplastic Syndromes, Hereditary; Tumor predisposition. Identifiers: Orphanet 140162, MedGen C0027672, MeSH D009386, MONDO:0015356.

Submission:

Ambry Genetics
Classification: Uncertain significance for Hereditary cancer-predisposing syndrome. Last evaluated: 2023-06-24. Review status: criteria provided, single submitter. Criteria: Ambry Variant Classification Scheme 2023. Collection method: clinical testing. Allele origin: germline.
Comment: The p.D2720V variant (also known as c.8159A>T), located in coding exon 55 of the ATM gene, results from an A to T substitution at nucleotide position 8159. The aspartic acid at codon 2720 is replaced by valine, an amino acid with highly dissimilar properties. This amino acid position is conserved. In addition, this alteration is predicted to be deleterious by in silico analysis. Since supporting evidence is limited at this time, the clinical significance of this alteration remains unclear.